The following is an entry in ClinVar:

ClinVar aggregate classification (germline): Likely pathogenic (1 of 4 stars; one submission).

Allele frequency attached by ClinVar (database versions not stated): gnomAD exomes below 0.00001.
gnomAD v4.1: 1 of 1,568,976 alleles (0.000064%); highest among the groups gnomAD compares: Non-Finnish European, 0.000086%; no homozygotes.

Submission:

Labcorp Genetics (formerly Invitae), Labcorp
Classification: Likely pathogenic. Last evaluated: 2025-07-13. Review status: criteria provided, single submitter. Criteria: Invitae Variant Classification Sherloc (09022015). Collection method: clinical testing. Allele origin: germline.
Comment: This sequence change affects a donor splice site in intron 5 of the ALPK3 gene. It is expected to disrupt RNA splicing. Variants that disrupt the donor or acceptor splice site typically lead to a loss of protein function (PMID: 16199547), and loss-of-function variants in ALPK3 are known to be pathogenic (PMID: 21441111, 26846950, 27106955, 34263907). This variant is not present in population databases (gnomAD no frequency). This variant has not been reported in the literature in individuals affected with ALPK3-related conditions. ClinVar contains an entry for this variant (Variation ID: 2812289). Algorithms developed to predict the effect of sequence changes on RNA splicing suggest that this variant may disrupt the consensus splice site. In summary, the currently available evidence indicates that the variant is pathogenic, but additional data are needed to prove that conclusively. Therefore, this variant has been classified as Likely Pathogenic.

Literature cited by the submitters: PubMed 16199547; PubMed 21441111; PubMed 26846950; PubMed 27106955; PubMed 34263907.

NM_020778.5(ALPK3):c.1653+1G>T

Genes: ALPK3 (alpha kinase 3; plus strand), LOC111718493 (skeletal muscle cis-regulatory module overlapping ALPK3; plus strand). Cytogenetic location: 15q25.3.
Variant type: single nucleotide variant.
Coding change: c.1653+1G>T on transcript NM_020778.5 (MANE Select); the canonical splice donor site of the intron after coding-DNA position 1653, G replaced by T.
Molecular consequence: splice donor variant.
Genome position (GRCh38, 1-based): chr15:84,840,933, G>T. VCF-style: chr15-84840933-G-T. GRCh37 (hg19) VCF-style: chr15-85384164-G-T.
Identifiers: ClinVar variation 2812289 (VCV002812289.3), dbSNP rs2505707123, ClinGen allele CA393376249.